The following is an entry in ClinVar:

NM_015512.5(DNAH1):c.11861A>C (p.Asn3954Thr)

Gene: DNAH1 (dynein axonemal heavy chain 1; plus strand). Cytogenetic location: 3p21.1.
Variant type: single nucleotide variant.
Coding change: c.11861A>C on transcript NM_015512.5 (MANE Select); coding-DNA position 11861, A replaced by C.
Protein change: p.Asn3954Thr; replaces asparagine 3954 with threonine.
Molecular consequence: missense variant.
Genome position (GRCh38, 1-based): chr3:52,397,780, A>C. VCF-style: chr3-52397780-A-C. GRCh37 (hg19) VCF-style: chr3-52431796-A-C.
Other names: short protein forms N3954T.
Identifiers: ClinVar variation 647350 (VCV000647350.6), dbSNP rs769848353, ClinGen allele CA2436314.

ClinVar aggregate classification (germline): Uncertain significance (1 of 4 stars; one submission).

Conditions:
Spermatogenic failure 18. Identifiers: MedGen C4539783, MONDO:0054615, OMIM 617576.
Ciliary dyskinesia, primary, 37 (CILD37). Also called: CILIARY DYSKINESIA, PRIMARY, 37, WITH OR WITHOUT SITUS INVERSUS. Identifiers: MedGen C4539798, MONDO:0033204, OMIM 617577.

Allele frequency attached by ClinVar (database versions not stated): gnomAD 0.00001; TOPMed 0.00001.
gnomAD v4.1: 22 of 1,613,748 alleles (0.0014%); highest among the groups gnomAD compares: Non-Finnish European, 0.0018%; no homozygotes.

Submission:

Labcorp Genetics (formerly Invitae), Labcorp
Classification: Uncertain significance for Ciliary dyskinesia, primary, 37; Spermatogenic failure 18. Last evaluated: 2018-07-15. Review status: criteria provided, single submitter. Criteria: Invitae Variant Classification Sherloc (09022015). Collection method: clinical testing. Allele origin: germline.
Comment: This sequence change replaces asparagine with threonine at codon 3954 of the DNAH1 protein (p.Asn3954Thr). The asparagine residue is highly conserved and there is a small physicochemical difference between asparagine and threonine. This variant is present in population databases (rs769848353, ExAC 0.003%). This variant has not been reported in the literature in individuals with DNAH1-related disease. Algorithms developed to predict the effect of missense changes on protein structure and function are either unavailable or do not agree on the potential impact of this missense change (SIFT: "Deleterious"; PolyPhen-2: "Possibly Damaging"; Align-GVGD: "Class C0"). In summary, the available evidence is currently insufficient to determine the role of this variant in disease. Therefore, it has been classified as a Variant of Uncertain Significance.